The following is an entry in ClinVar:

NM_001382241.1(TNPO2):c.2342C>T (p.Thr781Ile)

Genes: TNPO2 (transportin 2; minus strand), LOC126862859 (CDK7 strongly-dependent group 2 enhancer GRCh37_chr19:12811952-12813151; plus strand). Cytogenetic location: 19p13.13.
Variant type: single nucleotide variant.
Coding change: c.2342C>T on transcript NM_001382241.1 (MANE Select); coding-DNA position 2342, C replaced by T.
Protein change: p.Thr781Ile; replaces threonine 781 with isoleucine.
Molecular consequence: missense variant. On other transcripts: non-coding transcript variant (6).
Genome position (GRCh38, 1-based): chr19:12,702,141, G>A on the plus strand (C>T on the coding strand, the complement: TNPO2 is on the minus strand). VCF-style: chr19-12702141-G-A. GRCh37 (hg19) VCF-style: chr19-12812955-G-A.
Other names: c.2312C>T, p.Thr771Ile (NM_001136195.2, NM_001382236.1, NM_001382237.1 and 3 more transcripts); c.2342C>T, p.Thr781Ile (NM_001136196.2, NM_001382240.1, NM_001382242.1); c.2306C>T, p.Thr769Ile (NM_001382243.1); short protein forms T769I, T771I, T781I.
Identifiers: ClinVar variation 3062141 (VCV003062141.1), dbSNP rs2512612604, ClinGen allele CA404303364.

ClinVar aggregate classification (germline): Likely pathogenic (1 of 4 stars; one submission).

Submission:

GeneDx
Classification: Likely pathogenic. Last evaluated: 2022-05-15. Review status: criteria provided, single submitter. Criteria: GeneDx Variant Classification Process June 2021. Collection method: clinical testing. Allele origin: germline. Affected: yes.
Comment: Not observed at significant frequency in large population cohorts (gnomAD); In silico analysis supports that this missense variant has a deleterious effect on protein structure/function; Has not been previously published as pathogenic or benign to our knowledge